The following is an entry in ClinVar:

NM_001256732.3(SSBP2):c.743A>T (p.Tyr248Phe)

Gene: SSBP2 (single stranded DNA binding protein 2; minus strand). Cytogenetic location: 5q14.1.
Variant type: single nucleotide variant.
Coding change: c.743A>T on transcript NM_001256732.3 (MANE Select); coding-DNA position 743, A replaced by T.
Protein change: p.Tyr248Phe; replaces tyrosine 248 with phenylalanine.
Molecular consequence: missense variant.
Genome position (GRCh38, 1-based): chr5:81,448,794, T>A on the plus strand (A>T on the coding strand, the complement: SSBP2 is on the minus strand). VCF-style: chr5-81448794-T-A. GRCh37 (hg19) VCF-style: chr5-80744613-T-A.
Other names: c.659A>T, p.Tyr220Phe (NM_001256733.3); c.653A>T, p.Tyr218Phe (NM_001256734.3); c.629A>T, p.Tyr210Phe (NM_001256735.3, NM_001256736.3); c.743A>T, p.Tyr248Phe (NM_001345886.2); c.719A>T, p.Tyr240Phe (NM_001394350.1, NM_001394352.1, NM_012446.5); c.707A>T, p.Tyr236Phe (NM_001394351.1); short protein forms Y240F, Y210F, Y218F, Y220F, Y248F, Y236F.
Identifiers: ClinVar variation 161664 (VCV000161664.2), dbSNP rs193920757, ClinGen allele CA174556.

ClinVar aggregate classification (germline): Uncertain significance (0 of 4 stars; one submission).

Conditions:
Prostate cancer. Also called: Malignant tumor of prostate. Identifiers: Orphanet 1331, MedGen C0376358, MONDO:0008315, HP:0012125.

Submission:

Science for Life laboratory,  Karolinska Institutet
Classification: Uncertain significance for Malignant tumor of prostate. Review status: no assertion criteria provided. Collection method: not provided. Allele origin: somatic.
Comment: TumorID:SWE-1
ClinVar note: Converted during submission from Unknown to Uncertain significance.